The following is an entry in ClinVar:

ClinVar aggregate classification (germline): Uncertain significance (1 of 4 stars; one submission).

Conditions:
Fanconi anemia (FA). Also called: Fanconi's anemia. Identifiers: Orphanet 84, MedGen C0015625, MeSH D005199, MONDO:0019391.

Submission:

Labcorp Genetics (formerly Invitae), Labcorp
Classification: Uncertain significance for Fanconi anemia. Last evaluated: 2021-12-24. Review status: criteria provided, single submitter. Criteria: Invitae Variant Classification Sherloc (09022015). Collection method: clinical testing. Allele origin: germline.
Comment: Experimental studies and prediction algorithms are not available or were not evaluated, and the functional significance of this variant is currently unknown. In summary, the available evidence is currently insufficient to determine the role of this variant in disease. Therefore, it has been classified as a Variant of Uncertain Significance. This variant has not been reported in the literature in individuals affected with SLX4-related conditions. This variant is not present in population databases (gnomAD no frequency). This variant, c.4978_4980del, results in the deletion of 1 amino acid(s) of the SLX4 protein (p.Ala1660del), but otherwise preserves the integrity of the reading frame.

NM_032444.4(SLX4):c.4978_4980del (p.Ala1660del)

Gene: SLX4 (SLX4 structure-specific endonuclease subunit; minus strand). Cytogenetic location: 16p13.3.
Variant type: Deletion.
Coding change: c.4978_4980del on transcript NM_032444.4 (MANE Select); coding-DNA positions 4978 to 4980, 3 bases deleted (GCT; older notation c.4978_4980delGCT).
Protein change: p.Ala1660del; deletes alanine 1660.
Molecular consequence: inframe deletion.
Genome position (GRCh38, 1-based): chr16:3,583,270-3,583,272, AGC deleted on the plus strand (GCT on the coding strand, the reverse complement: SLX4 is on the minus strand); deleting any 3 consecutive bases within chr16:3,583,270-3,583,274 gives the same sequence; the c. name uses the placement nearest the transcript's 3' end. VCF-style (leftmost placement, unchanged base first): chr16-3583269-TAGC-T. GRCh37 (hg19) VCF-style: chr16-3633270-TAGC-T.
Other names: short protein forms A1660del.
Identifiers: ClinVar variation 2057883 (VCV002057883.4), dbSNP rs2548207197, ClinGen allele CA2580091095.